The following is an entry in ClinVar:

NM_000094.4(COL7A1):c.5222C>T (p.Ala1741Val)

Gene: COL7A1 (collagen type VII alpha 1 chain; minus strand). Cytogenetic location: 3p21.31.
Variant type: single nucleotide variant.
Coding change: c.5222C>T on transcript NM_000094.4 (MANE Select); coding-DNA position 5222, C replaced by T.
Protein change: p.Ala1741Val; replaces alanine 1741 with valine.
Molecular consequence: missense variant.
Genome position (GRCh38, 1-based): chr3:48,579,601, G>A on the plus strand (C>T on the coding strand, the complement: COL7A1 is on the minus strand). VCF-style: chr3-48579601-G-A. GRCh37 (hg19) VCF-style: chr3-48617034-G-A.
Other names: short protein forms A1741V.
Identifiers: ClinVar variation 2836690 (VCV002836690.3), dbSNP rs2531063334, ClinGen allele CA352677166.

ClinVar aggregate classification (germline): Uncertain significance (1 of 4 stars; one submission).

gnomAD v4.1: 1 of 1,613,856 alleles (0.000062%); no homozygotes.

Submission:

Labcorp Genetics (formerly Invitae), Labcorp
Classification: Uncertain significance. Last evaluated: 2023-12-02. Review status: criteria provided, single submitter. Criteria: Invitae Variant Classification Sherloc (09022015). Collection method: clinical testing. Allele origin: germline.
Comment: This sequence change replaces alanine, which is neutral and non-polar, with valine, which is neutral and non-polar, at codon 1741 of the COL7A1 protein (p.Ala1741Val). This variant is not present in population databases (gnomAD no frequency). This variant has not been reported in the literature in individuals affected with COL7A1-related conditions. Advanced modeling of protein sequence and biophysical properties (such as structural, functional, and spatial information, amino acid conservation, physicochemical variation, residue mobility, and thermodynamic stability) performed at Invitae indicates that this missense variant is not expected to disrupt COL7A1 protein function with a negative predictive value of 95%. In summary, the available evidence is currently insufficient to determine the role of this variant in disease. Therefore, it has been classified as a Variant of Uncertain Significance.